The following is an entry in ClinVar:

NM_015450.3(POT1):c.107A>G (p.Tyr36Cys)

Gene: POT1 (protection of telomeres 1; minus strand). Cytogenetic location: 7q31.33.
Variant type: single nucleotide variant.
Coding change: c.107A>G on transcript NM_015450.3 (MANE Select); coding-DNA position 107, A replaced by G.
Protein change: p.Tyr36Cys; replaces tyrosine 36 with cysteine.
Molecular consequence: missense variant. On other transcripts: 5 prime UTR variant (1), non-coding transcript variant (3).
Genome position (GRCh38, 1-based): chr7:124,892,283, T>C on the plus strand (A>G on the coding strand, the complement: POT1 is on the minus strand). VCF-style: chr7-124892283-T-C. GRCh37 (hg19) VCF-style: chr7-124532337-T-C.
Other names: c.-156A>G (NM_001042594.2); short protein forms Y36C.
Identifiers: ClinVar variation 392900 (VCV000392900.16), dbSNP rs1057524691, ClinGen allele CA16605029.

ClinVar aggregate classification (germline): Uncertain significance. Review status: criteria provided, multiple submitters, no conflicts (2 of 4 stars). 3 submissions from 3 submitters: Uncertain significance (3). Last evaluated 2025-10-21.

Conditions:
Hereditary cancer-predisposing syndrome. Also called: Tumor predisposition; Hereditary Cancer Syndrome; Hereditary neoplastic syndrome; Neoplastic Syndromes, Hereditary. Identifiers: Orphanet 140162, MedGen C0027672, MeSH D009386, MONDO:0015356.
Tumor predisposition syndrome 3 (TPDS3). Also called: Glioma susceptibility 9; LONG TELOMERE SYNDROME, POT1-RELATED; POT1 Tumor Predisposition; Melanoma, cutaneous malignant, susceptibility to, 10. Identifiers: Orphanet 618, MedGen C4014476, MONDO:0014368, OMIM 615848.

Allele frequency attached by ClinVar (database versions not stated): gnomAD exomes below 0.00001.
gnomAD v4.1: 1 of 1,539,490 alleles (0.000065%); highest among the groups gnomAD compares: Non-Finnish European, 0.000087%; no homozygotes.

Submissions (3):

Labcorp Genetics (formerly Invitae), Labcorp
Classification: Uncertain significance for Tumor predisposition syndrome 3. Last evaluated: 2025-10-21. Review status: criteria provided, single submitter. Criteria: Invitae Variant Classification Sherloc (09022015). Collection method: clinical testing. Allele origin: germline.
Comment: This sequence change replaces tyrosine, which is neutral and polar, with cysteine, which is neutral and slightly polar, at codon 36 of the POT1 protein (p.Tyr36Cys). This variant is not present in population databases (gnomAD no frequency). This missense change has been observed in individual(s) with chronic lymphocytic leukemia (PMID: 27528712). ClinVar contains an entry for this variant (Variation ID: 392900). Invitae Evidence Modeling of protein sequence and biophysical properties (such as structural, functional, and spatial information, amino acid conservation, physicochemical variation, residue mobility, and thermodynamic stability) indicates that this missense variant is not expected to disrupt POT1 protein function with a negative predictive value of 80%. In summary, the available evidence is currently insufficient to determine the role of this variant in disease. Therefore, it has been classified as a Variant of Uncertain Significance.

Ambry Genetics
Classification: Uncertain significance for Hereditary cancer-predisposing syndrome. Last evaluated: 2023-07-20. Review status: criteria provided, single submitter. Criteria: Ambry Variant Classification Scheme 2023. Collection method: clinical testing. Allele origin: germline.
Comment: The p.Y36C variant (also known as c.107A>G), located in coding exon 2 of the POT1 gene, results from an A to G substitution at nucleotide position 107. The tyrosine at codon 36 is replaced by cysteine, an amino acid with highly dissimilar properties. This alteration was identified in two brothers diagnosed with chronic lymphocytic leukemia (CLL) (Speedy HE et al. Blood, 2016 11;128:2319-2326). This amino acid position is highly conserved in available vertebrate species. In addition, the in silico prediction for this alteration is inconclusive. Since supporting evidence is limited at this time, the clinical significance of this alteration remains unclear.

GeneDx
Classification: Uncertain significance. Last evaluated: 2018-04-05. Review status: criteria provided, single submitter. Criteria: GeneDx Variant Classification (06012015). Collection method: clinical testing. Allele origin: germline. Affected: yes.
Comment: The Y36C variant in the POT1 gene has been reported previously in one family with chronic lymphocytic leukemia (Speedy et al., 2016). The Y36C variant is not observed in large population cohorts (Lek et al., 2016). The Y36C variant is a non-conservative amino acid substitution, which is likely to impact secondary protein structure as these residues differ in polarity, charge, size and/or other properties. This variant is located in the OB1 domain (Rice et al., 2017). In-silico analyses, including protein predictors and evolutionary conservation, support a deleterious effect. We interpret Y36C as a variant of uncertain significance.

Literature cited by the submitters: PubMed 27528712 (cited by Labcorp Genetics (formerly Invitae), Labcorp and Ambry Genetics).